The following is an entry in ClinVar:

NM_006231.4(POLE):c.3922C>G (p.Arg1308Gly)

Gene: POLE (DNA polymerase epsilon, catalytic subunit; minus strand). Cytogenetic location: 12q24.33.
Variant type: single nucleotide variant.
Coding change: c.3922C>G on transcript NM_006231.4 (MANE Select); coding-DNA position 3922, C replaced by G.
Protein change: p.Arg1308Gly; replaces arginine 1308 with glycine.
Molecular consequence: missense variant.
Genome position (GRCh38, 1-based): chr12:132,649,389, G>C on the plus strand (C>G on the coding strand, the complement: POLE is on the minus strand). VCF-style: chr12-132649389-G-C. GRCh37 (hg19) VCF-style: chr12-133225975-G-C.
Other names: short protein forms R1308G.
Identifiers: ClinVar variation 4714386 (VCV004714386.1).
Genomic context (GRCh38, chr12:132,649,389, plus strand): 5'-CCAGGATGCTGCGGGCAGTTCTTCGCAAGAAGCTCCCCAGCCCCGTGGCAGGACCATCCC[G>C]GATGGCCCCGGGCCTGAGCACACCCTCTGCCGACTCCAGACGCTGCCTCTTCCTGCGGGC-3'
Protein context (NP_006222.2, residues 1298-1318): AEGVLRPGAI[Arg1308Gly]DGPATGLGSF

ClinVar aggregate classification (germline): Uncertain significance (1 of 4 stars; one submission).

Submission:

Labcorp Genetics (formerly Invitae), Labcorp
Classification: Uncertain significance. Last evaluated: 2025-10-28. Review status: criteria provided, single submitter. Criteria: Invitae Variant Classification Sherloc (09022015). Collection method: clinical testing. Allele origin: germline.
Comment: This sequence change replaces arginine, which is basic and polar, with glycine, which is neutral and non-polar, at codon 1308 of the POLE protein (p.Arg1308Gly). This variant is not present in population databases (gnomAD no frequency). This variant has not been reported in the literature in individuals affected with POLE-related conditions. Invitae Evidence Modeling of protein sequence and biophysical properties (such as structural, functional, and spatial information, amino acid conservation, physicochemical variation, residue mobility, and thermodynamic stability) indicates that this missense variant is not expected to disrupt POLE protein function with a negative predictive value of 80%. In summary, the available evidence is currently insufficient to determine the role of this variant in disease. Therefore, it has been classified as a Variant of Uncertain Significance.